The following is an entry in ClinVar:

NM_000092.5(COL4A4):c.2312del (p.Gly771fs)

Gene: COL4A4 (collagen type IV alpha 4 chain; minus strand). Cytogenetic location: 2q36.3.
Variant type: Deletion.
Coding change: c.2312del on transcript NM_000092.5 (MANE Select); coding-DNA position 2312, one base deleted (G; older notation c.2312delG).
Protein change: p.Gly771fs; shifts the reading frame from glycine 771.
Molecular consequence: frameshift variant.
Genome position (GRCh38, 1-based): chr2:227,059,476, C deleted on the plus strand (G on the coding strand, the reverse complement: COL4A4 is on the minus strand); the first of 3 consecutive C bases (chr2:227,059,476-227,059,478); deleting any one gives the same sequence. VCF-style (leftmost placement, unchanged base first): chr2-227059475-TC-T. GRCh37 (hg19) VCF-style: chr2-227924191-TC-T.
Other names: short protein forms G771fs.
Identifiers: ClinVar variation 2754531 (VCV002754531.16), dbSNP rs1976337637, ClinGen allele CA2697550504.

ClinVar aggregate classification (germline): Pathogenic. Review status: criteria provided, multiple submitters, no conflicts (2 of 4 stars). 2 submissions from 2 submitters: Pathogenic (2). Last evaluated 2025-01-01.

Submissions (2):

CeGaT Center for Human Genetics Tuebingen
Classification: Pathogenic. Last evaluated: 2025-01-01. Review status: criteria provided, single submitter. Criteria: CeGaT Center For Human Genetics Tuebingen Variant Classification Criteria Version 2. Collection method: clinical testing. Allele origin: germline. Affected: yes. Observed: 1 variant allele.
Comment: COL4A4: PVS1, PM2

Labcorp Genetics (formerly Invitae), Labcorp
Classification: Pathogenic. Last evaluated: 2023-10-11. Review status: criteria provided, single submitter. Criteria: Invitae Variant Classification Sherloc (09022015). Collection method: clinical testing. Allele origin: germline.
Comment: This sequence change creates a premature translational stop signal (p.Gly771Glufs*11) in the COL4A4 gene. It is expected to result in an absent or disrupted protein product. Loss-of-function variants in COL4A4 are known to be pathogenic (PMID: 21196518, 24854265, 25307543). This variant is not present in population databases (gnomAD no frequency). This variant has not been reported in the literature in individuals affected with COL4A4-related conditions. For these reasons, this variant has been classified as Pathogenic.

Literature cited by the submitters: PubMed 21196518 (cited by Labcorp Genetics (formerly Invitae), Labcorp); PubMed 24854265 (cited by Labcorp Genetics (formerly Invitae), Labcorp); PubMed 25307543 (cited by Labcorp Genetics (formerly Invitae), Labcorp).